The following is an entry in ClinVar:

ClinVar aggregate classification (germline): Uncertain significance. Review status: criteria provided, single submitter (1 of 4 stars). 2 submissions from 2 submitters: Uncertain significance (1). 1 of the submissions does not count toward it. Last evaluated 2025-05-01.

Conditions:
Blau syndrome (BLAUS). Also called: ARTHROCUTANEOUVEAL GRANULOMATOSIS; GRANULOMATOSIS, FAMILIAL JUVENILE SYSTEMIC; GRANULOMATOSIS, FAMILIAL, BLAU TYPE; GRANULOMATOUS INFLAMMATORY ARTHRITIS, DERMATITIS, AND UVEITIS, FAMILIAL; JABS SYNDROME. Identifiers: Orphanet 90340, MedGen C5201146, MONDO:0008523, OMIM 186580.
Regional enteritis. Also called: Enteritis, Granulomatous. Identifiers: MedGen C0678202, MeSH D003424.

Allele frequency attached by ClinVar (database versions not stated): gnomAD 0.00001; TOPMed 0.00002; gnomAD exomes 0.00005; ExAC 0.00006.
gnomAD v4.1: 31 of 1,614,102 alleles (0.0019%); highest among the groups gnomAD compares: Middle Eastern, 0.016%; no homozygotes.

Submissions (2):

Labcorp Genetics (formerly Invitae), Labcorp
Classification: Uncertain significance for Regional enteritis; Blau syndrome. Last evaluated: 2025-05-01. Review status: criteria provided, single submitter. Criteria: Invitae Variant Classification Sherloc (09022015). Collection method: clinical testing. Allele origin: germline.
Comment: This sequence change replaces isoleucine, which is neutral and non-polar, with phenylalanine, which is neutral and non-polar, at codon 363 of the NOD2 protein (p.Ile363Phe). This variant is present in population databases (rs104895470, gnomAD 0.01%). This missense change has been observed in individual(s) with Crohn's disease (PMID: 15024686). ClinVar contains an entry for this variant (Variation ID: 97820). Invitae Evidence Modeling of protein sequence and biophysical properties (such as structural, functional, and spatial information, amino acid conservation, physicochemical variation, residue mobility, and thermodynamic stability) has been performed for this missense variant. However, the output from this modeling did not meet the statistical confidence thresholds required to predict the impact of this variant on NOD2 protein function. Experimental studies have shown that this missense change affects NOD2 function (PMID: 26500656). In summary, the available evidence is currently insufficient to determine the role of this variant in disease. Therefore, it has been classified as a Variant of Uncertain Significance.

Unité médicale des maladies autoinflammatoires, CHRU Montpellier
No classification provided. Condition: Sarcoidosis, early-onset. Review status: no classification provided. Collection method: not provided. Allele origin: unknown. Not counted in ClinVar's aggregate classification.
Comment: also involved in OMIM 186580 and 266600

Literature cited by the submitters: PubMed 15024686 (cited by Labcorp Genetics (formerly Invitae), Labcorp); PubMed 26500656 (cited by Labcorp Genetics (formerly Invitae), Labcorp).

NM_001370466.1(NOD2):c.1006A>T (p.Ile336Phe)

Gene: NOD2 (nucleotide binding oligomerization domain containing 2; plus strand). Cytogenetic location: 16q12.1.
Variant type: single nucleotide variant.
Coding change: c.1006A>T on transcript NM_001370466.1 (MANE Select); coding-DNA position 1006, A replaced by T.
Protein change: p.Ile336Phe; replaces isoleucine 336 with phenylalanine.
Molecular consequence: missense variant. On other transcripts: non-coding transcript variant (1).
Genome position (GRCh38, 1-based): chr16:50,710,998, A>T. VCF-style: chr16-50710998-A-T. GRCh37 (hg19) VCF-style: chr16-50744909-A-T.
Other names: c.1006A>T, p.Ile336Phe (NM_001293557.2); c.1087A>T, p.Ile363Phe (NM_022162.3); c.1087A>T (LRG_177t1); short protein forms I363F, I336F.
Identifiers: ClinVar variation 97820 (VCV000097820.7), dbSNP rs104895470, ClinGen allele CA150172.